The following is an entry in ClinVar:

ClinVar aggregate classification (germline): Uncertain significance (1 of 4 stars; one submission).

Allele frequency attached by ClinVar (database versions not stated): gnomAD exomes below 0.00001.
gnomAD v4.1: 1 of 1,612,726 alleles (0.000062%); highest among the groups gnomAD compares: Non-Finnish European, 0.000085%; no homozygotes.

Submission:

Labcorp Genetics (formerly Invitae), Labcorp
Classification: Uncertain significance. Last evaluated: 2022-06-26. Review status: criteria provided, single submitter. Criteria: Invitae Variant Classification Sherloc (09022015). Collection method: clinical testing. Allele origin: germline.
Comment: In summary, the available evidence is currently insufficient to determine the role of this variant in disease. Therefore, it has been classified as a Variant of Uncertain Significance. Algorithms developed to predict the effect of missense changes on protein structure and function output the following: SIFT: "Deleterious"; PolyPhen-2: "Possibly Damaging"; Align-GVGD: "Class C0". The valine amino acid residue is found in multiple mammalian species, which suggests that this missense change does not adversely affect protein function. This variant has not been reported in the literature in individuals affected with AHDC1-related conditions. This variant is not present in population databases (gnomAD no frequency). This sequence change replaces alanine, which is neutral and non-polar, with valine, which is neutral and non-polar, at codon 810 of the AHDC1 protein (p.Ala810Val).

NM_001371928.1(AHDC1):c.2429C>T (p.Ala810Val)

Gene: AHDC1 (AT-hook DNA binding motif containing 1; minus strand). Cytogenetic location: 1p36.11.
Variant type: single nucleotide variant.
Coding change: c.2429C>T on transcript NM_001371928.1 (MANE Select); coding-DNA position 2429, C replaced by T.
Protein change: p.Ala810Val; replaces alanine 810 with valine.
Molecular consequence: missense variant.
Genome position (GRCh38, 1-based): chr1:27,549,687, G>A on the plus strand (C>T on the coding strand, the complement: AHDC1 is on the minus strand). VCF-style: chr1-27549687-G-A. GRCh37 (hg19) VCF-style: chr1-27876198-G-A.
Other names: c.2429C>T, p.Ala810Val (NM_001029882.3); short protein forms A810V.
Identifiers: ClinVar variation 2011068 (VCV002011068.4), dbSNP rs2521936724, ClinGen allele CA339230546.